The following is an entry in ClinVar:

NM_000553.6(WRN):c.2631-236_2631-234del

Gene: WRN (WRN RecQ like helicase; plus strand). Cytogenetic location: 8p12.
Variant type: Microsatellite.
Coding change: c.2631-236_2631-234del on transcript NM_000553.6 (MANE Select); 236 bases into the intron before coding-DNA position 2631 through 234 bases into the intron before coding-DNA position 2631, 3 bases deleted (GAA; older notation c.2631-236_2631-234delGAA).
Molecular consequence: intron variant.
Genome position (GRCh38, 1-based): chr8:31,124,286-31,124,288, GAA deleted; deleting any 3 consecutive bases within chr8:31,124,283-31,124,288 gives the same sequence; the c. name uses the placement nearest the transcript's 3' end. VCF-style (leftmost placement, unchanged base first): chr8-31124282-GGAA-G. GRCh37 (hg19) VCF-style: chr8-30981798-GGAA-G.
Identifiers: ClinVar variation 1706701 (VCV001706701.2), dbSNP rs370481072, ClinGen allele CA174884244.

ClinVar aggregate classification (germline): Likely benign (1 of 4 stars; one submission).

Submission:

GeneDx
Classification: Likely benign. Last evaluated: 2020-01-06. Review status: criteria provided, single submitter. Criteria: GeneDx Variant Classification Process June 2021. Collection method: clinical testing. Allele origin: germline. Affected: yes.
Comment: See Variant Classification Assertion Criteria.